The following is an entry in ClinVar:

NM_004393.6(DAG1):c.2140C>T (p.Arg714Trp)

Gene: DAG1 (dystroglycan 1; plus strand). Cytogenetic location: 3p21.31.
Variant type: single nucleotide variant.
Coding change: c.2140C>T on transcript NM_004393.6 (MANE Select); coding-DNA position 2140, C replaced by T.
Protein change: p.Arg714Trp; replaces arginine 714 with tryptophan.
Molecular consequence: missense variant.
Genome position (GRCh38, 1-based): chr3:49,532,651, C>T. VCF-style: chr3-49532651-C-T. GRCh37 (hg19) VCF-style: chr3-49570084-C-T.
Other names: c.2140C>T, p.Arg714Trp (NM_001165928.4, NM_001177634.3, NM_001177635.3 and 9 more transcripts); short protein forms R714W.
Identifiers: ClinVar variation 862001 (VCV000862001.4), dbSNP rs751260925, ClinGen allele CA2399212.
Genomic context (GRCh38, chr3:49,532,651, plus strand): 5'-AACGCCCTAGAGCCTGACTTTAAGGCCACAAGCATCACTGTGACGGGCTCTGGCAGTTGT[C>T]GGCACCTACAGTTTATCCCTGTGGTACCACCCAGGAGAGTGCCCTCAGAGGCGCCGCCCA-3'
Protein context (NP_004384.5, residues 704-724): SITVTGSGSC[Arg714Trp]HLQFIPVVPP

ClinVar aggregate classification (germline): Uncertain significance (1 of 4 stars; one submission).

Conditions:
Muscular dystrophy-dystroglycanopathy (congenital with brain and eye anomalies), type A9. Also called: WALKER-WARBURG SYNDROME OR MUSCLE-EYE BRAIN DISEASE, DAG1-RELATED; Muscular dystrophy-dystroglycanopathy (congenital with brain and eye anomalies), type a, 9. Identifiers: Orphanet 370997, Orphanet 899, MedGen C4225291, MONDO:0014683, OMIM 616538.
Autosomal recessive limb-girdle muscular dystrophy type 2P. Also called: MUSCULAR DYSTROPHY-DYSTROGLYCANOPATHY, LIMB-GIRDLE, DAG1-RELATED; Limb-Girdle Muscular Dystrophy Type 9C; MUSCULAR DYSTROPHY, LIMB-GIRDLE, TYPE 2P. Identifiers: Orphanet 280333, MedGen C4511963, MONDO:0013440, OMIM 613818.

Allele frequency attached by ClinVar (database versions not stated): gnomAD exomes below 0.00001; ExAC 0.00001; gnomAD 0.00001; TOPMed 0.00001.
gnomAD v4.1: 35 of 1,613,952 alleles (0.0022%); highest among the groups gnomAD compares: South Asian, 0.0044%; 1 homozygote.

Submission:

Labcorp Genetics (formerly Invitae), Labcorp
Classification: Uncertain significance for Autosomal recessive limb-girdle muscular dystrophy type 2P; Muscular dystrophy-dystroglycanopathy (congenital with brain and eye anomalies), type A9. Last evaluated: 2021-09-01. Review status: criteria provided, single submitter. Criteria: Invitae Variant Classification Sherloc (09022015). Collection method: clinical testing. Allele origin: germline.
Comment: This sequence change replaces arginine with tryptophan at codon 714 of the DAG1 protein (p.Arg714Trp). The arginine residue is moderately conserved and there is a moderate physicochemical difference between arginine and tryptophan. This variant is present in population databases (rs751260925, ExAC 0.002%). This variant has not been reported in the literature in individuals affected with DAG1-related conditions. ClinVar contains an entry for this variant (Variation ID: 862001). Algorithms developed to predict the effect of missense changes on protein structure and function (SIFT, PolyPhen-2, Align-GVGD) all suggest that this variant is likely to be disruptive. In summary, the available evidence is currently insufficient to determine the role of this variant in disease. Therefore, it has been classified as a Variant of Uncertain Significance.